The following is an entry in ClinVar:

NM_001039141.3(TRIOBP):c.3919G>T (p.Val1307Leu)

Gene: TRIOBP (TRIO and F-actin binding protein; plus strand). Cytogenetic location: 22q13.1.
Variant type: single nucleotide variant.
Coding change: c.3919G>T on transcript NM_001039141.3 (MANE Select); coding-DNA position 3919, G replaced by T.
Protein change: p.Val1307Leu; replaces valine 1307 with leucine.
Molecular consequence: missense variant.
Genome position (GRCh38, 1-based): chr22:37,726,475, G>T. VCF-style: chr22-37726475-G-T. GRCh37 (hg19) VCF-style: chr22-38122482-G-T.
Other names: c.3919G>T (NM_001039141.2); short protein forms V1307L.
Identifiers: ClinVar variation 1442260 (VCV001442260.7), dbSNP rs750614465, ClinGen allele CA10224256.

ClinVar aggregate classification (germline): Uncertain significance. Review status: criteria provided, multiple submitters, no conflicts (2 of 4 stars). 2 submissions from 2 submitters: Uncertain significance (2). Last evaluated 2024-04-11.

Allele frequency attached by ClinVar (database versions not stated): ExAC 0.00005.
gnomAD v4.1: 7 of 1,543,312 alleles (0.00045%); highest among the groups gnomAD compares: Admixed American, 0.01%; no homozygotes.

Submissions (2):

GeneDx
Classification: Uncertain significance. Last evaluated: 2024-04-11. Review status: criteria provided, single submitter. Criteria: GeneDx Variant Classification Process June 2021. Collection method: clinical testing. Allele origin: germline. Affected: yes.
Comment: In silico analysis indicates that this missense variant does not alter protein structure/function; Has not been previously published as pathogenic or benign to our knowledge

Labcorp Genetics (formerly Invitae), Labcorp
Classification: Uncertain significance. Last evaluated: 2022-06-27. Review status: criteria provided, single submitter. Criteria: Invitae Variant Classification Sherloc (09022015). Collection method: clinical testing. Allele origin: germline.
Comment: In summary, the available evidence is currently insufficient to determine the role of this variant in disease. Therefore, it has been classified as a Variant of Uncertain Significance. Algorithms developed to predict the effect of missense changes on protein structure and function are either unavailable or do not agree on the potential impact of this missense change (SIFT: "Deleterious"; PolyPhen-2: "Probably Damaging"; Align-GVGD: "Class C0"). This variant has not been reported in the literature in individuals affected with TRIOBP-related conditions. The frequency data for this variant in the population databases is considered unreliable, as metrics indicate poor data quality at this position in the gnomAD database. This sequence change replaces valine, which is neutral and non-polar, with leucine, which is neutral and non-polar, at codon 1307 of the TRIOBP protein (p.Val1307Leu).